The following is an entry in ClinVar:

ClinVar aggregate classification (germline): Uncertain significance (1 of 4 stars; one submission).

Allele frequency attached by ClinVar (database versions not stated): gnomAD exomes 0.00001; ESP Exome Variant Server 0.00008.

Submission:

Labcorp Genetics (formerly Invitae), Labcorp
Classification: Uncertain significance. Last evaluated: 2022-03-18. Review status: criteria provided, single submitter. Criteria: Invitae Variant Classification Sherloc (09022015). Collection method: clinical testing. Allele origin: germline.
Comment: In summary, the available evidence is currently insufficient to determine the role of this variant in disease. Therefore, it has been classified as a Variant of Uncertain Significance. Variants that disrupt the consensus splice site are a relatively common cause of aberrant splicing (PMID: 17576681, 9536098). Algorithms developed to predict the effect of sequence changes on RNA splicing suggest that this variant is not likely to affect RNA splicing. This variant has not been reported in the literature in individuals affected with CABP2-related conditions. This variant is not present in population databases (gnomAD no frequency). This sequence change falls in intron 6 of the CABP2 gene. It does not directly change the encoded amino acid sequence of the CABP2 protein. It affects a nucleotide within the consensus splice site.

Literature cited by the submitters: PubMed 17576681; PubMed 9536098.

NM_016366.3(CABP2):c.637+6C>T

Gene: CABP2 (calcium binding protein 2; minus strand). Cytogenetic location: 11q13.2.
Variant type: single nucleotide variant.
Coding change: c.637+6C>T on transcript NM_016366.3 (MANE Select); 6 bases into the intron after coding-DNA position 637, C replaced by T.
Molecular consequence: intron variant.
Genome position (GRCh38, 1-based): chr11:67,519,787, G>A on the plus strand (C>T on the coding strand, the complement: CABP2 is on the minus strand). VCF-style: chr11-67519787-G-A. GRCh37 (hg19) VCF-style: chr11-67287258-G-A.
Other names: c.655+6C>T (NM_001318496.2).
Identifiers: ClinVar variation 1971770 (VCV001971770.5), dbSNP rs368977197, ClinGen allele CA224144608.